The following is an entry in ClinVar:

NM_001267550.2(TTN):c.9988G>T (p.Val3330Phe)

Gene: TTN (titin; minus strand). Cytogenetic location: 2q31.2.
Variant type: single nucleotide variant.
Coding change: c.9988G>T on transcript NM_001267550.2 (MANE Select); coding-DNA position 9988, G replaced by T.
Protein change: p.Val3330Phe; replaces valine 3330 with phenylalanine.
Molecular consequence: missense variant.
Genome position (GRCh38, 1-based): chr2:178,764,527, C>A on the plus strand (G>T on the coding strand, the complement: TTN is on the minus strand). VCF-style: chr2-178764527-C-A. GRCh37 (hg19) VCF-style: chr2-179629254-C-A.
Other names: c.9988G>T, p.Val3330Phe (NM_001256850.1, NM_133378.4, NM_133379.5); c.9850G>T, p.Val3284Phe (NM_003319.4, NM_133432.3, NM_133437.4); short protein forms V3330F, V3284F.
Identifiers: ClinVar variation 1364523 (VCV001364523.6), dbSNP rs2090011986, ClinGen allele CA349673962.

ClinVar aggregate classification (germline): Uncertain significance (1 of 4 stars; one submission).

Conditions:
Dilated cardiomyopathy 1G (CMD1G). Identifiers: Orphanet 154, MedGen C1858763, MONDO:0011400, OMIM 604145.
Autosomal recessive limb-girdle muscular dystrophy type 2J (LGMDR10). Also called: Limb-girdle muscular dystrophy, type 2J; MUSCULAR DYSTROPHY, LIMB-GIRDLE, AUTOSOMAL RECESSIVE 10. Identifiers: Orphanet 140922, MedGen C1837342, MONDO:0012127, OMIM 608807.

Submission:

Labcorp Genetics (formerly Invitae), Labcorp
Classification: Uncertain significance for Dilated cardiomyopathy 1G; Autosomal recessive limb-girdle muscular dystrophy type 2J. Last evaluated: 2024-04-05. Review status: criteria provided, single submitter. Criteria: Invitae Variant Classification Sherloc (09022015). Collection method: clinical testing. Allele origin: germline.
Comment: This sequence change replaces valine, which is neutral and non-polar, with phenylalanine, which is neutral and non-polar, at codon 3330 of the TTN protein (p.Val3330Phe). This variant also falls at the last nucleotide of exon 42, which is part of the consensus splice site for this exon. This variant is not present in population databases (gnomAD no frequency). This variant has not been reported in the literature in individuals affected with TTN-related conditions. ClinVar contains an entry for this variant (Variation ID: 1364523). Experimental studies and prediction algorithms are not available or were not evaluated, and the functional significance of this variant is currently unknown. Variants that disrupt the consensus splice site are a relatively common cause of aberrant splicing (PMID: 17576681, 9536098). Algorithms developed to predict the effect of sequence changes on RNA splicing suggest that this variant may disrupt the consensus splice site. This variant is located in the I band of TTN (PMID: 25589632). Variants in this region may be clinically relevant, but have not been definitively shown to cause cardiomyopathy or neuromuscular disease (PMID: 27493940, 32778822). In summary, the available evidence is currently insufficient to determine the role of this variant in disease. Therefore, it has been classified as a Variant of Uncertain Significance.

Literature cited by the submitters: PubMed 17576681; PubMed 9536098; PubMed 25589632; PubMed 27493940; PubMed 32778822.